The following is an entry in ClinVar:

NM_006947.4(SRP72):c.463G>A (p.Val155Ile)

Gene: SRP72 (signal recognition particle 72; plus strand). Cytogenetic location: 4q12.
Variant type: single nucleotide variant.
Coding change: c.463G>A on transcript NM_006947.4 (MANE Select); coding-DNA position 463, G replaced by A.
Protein change: p.Val155Ile; replaces valine 155 with isoleucine.
Molecular consequence: missense variant. On other transcripts: non-coding transcript variant (1).
Genome position (GRCh38, 1-based): chr4:56,474,162, G>A. VCF-style: chr4-56474162-G-A. GRCh37 (hg19) VCF-style: chr4-57340328-G-A.
Other names: c.463G>A, p.Val155Ile (NM_001267722.2); short protein forms V155I.
Identifiers: ClinVar variation 4825790 (VCV004825790.2).
Genomic context (GRCh38, chr4:56,474,162, plus strand): 5'-CTCGTCCGAAACTCCCAAGATGATTATGATGAGGAGAGGAAAACAAACCTTTCAGCAGTT[G>A]TTGCAGCTCAAAGCAATTGGGAAAAAGTGGTTCCAGTGAGTATCCTTGTGGTGTACCCAT-3'
Protein context (NP_008878.3, residues 145-165): EERKTNLSAV[Val155Ile]AAQSNWEKVV

ClinVar aggregate classification (germline): Uncertain significance. Review status: criteria provided, multiple submitters, no conflicts (2 of 4 stars). 2 submissions from 2 submitters: Uncertain significance (2). Last evaluated 2026-03-14.

Submissions (2):

Ambry Genetics
Classification: Uncertain significance. Last evaluated: 2026-03-14. Review status: criteria provided, single submitter. Criteria: Ambry Variant Classification Scheme 2023. Collection method: clinical testing. Allele origin: germline.
Comment: The p.V155I variant (also known as c.463G>A), located in coding exon 4 of the SRP72 gene, results from a G to A substitution at nucleotide position 463. The valine at codon 155 is replaced by isoleucine, an amino acid with highly similar properties. This amino acid position is conserved. In addition, this alteration is predicted to be tolerated by in silico analysis. Based on the available evidence, the clinical significance of this variant remains unclear.

Blueprint Genetics
Classification: Uncertain significance. Last evaluated: 2024-04-24. Review status: criteria provided, single submitter. Criteria: ACMG Guidelines, 2015. Collection method: clinical testing. Allele origin: germline.